The following is an entry in ClinVar:

NM_017813.5(BPNT2):c.67G>C (p.Val23Leu)

Genes: BPNT2 (3'(2'), 5'-bisphosphate nucleotidase 2; minus strand), LOC130000433 (ATAC-STARR-seq lymphoblastoid silent region 19212; plus strand). Cytogenetic location: 8q12.1.
Variant type: single nucleotide variant.
Coding change: c.67G>C on transcript NM_017813.5 (MANE Select); coding-DNA position 67, G replaced by C.
Protein change: p.Val23Leu; replaces valine 23 with leucine.
Molecular consequence: missense variant.
Genome position (GRCh38, 1-based): chr8:56,993,519, C>G on the plus strand (G>C on the coding strand, the complement: BPNT2 is on the minus strand). VCF-style: chr8-56993519-C-G. GRCh37 (hg19) VCF-style: chr8-57906078-C-G.
Other names: short protein forms V23L.
Identifiers: ClinVar variation 3672283 (VCV003672283.2).
Genomic context (GRCh38, chr8:56,993,519, plus strand): 5'-CGCCCAGGCCGAAGAGGCTGAAGCGGCCGGCCAAGAAGCCCGAGTAGAGGTGGTAGAGCA[C>G]GCCGAGCCCCAGCAGGCAAAACACTGCCACCCCCAGTGGGGAAAGGCGGATGCCCATGGG-3'
Protein context (NP_060283.3, residues 13-33): VAVFCLLGLG[Val23Leu]LYHLYSGFLA

ClinVar aggregate classification (germline): Uncertain significance (1 of 4 stars; one submission).

gnomAD v4.1: 7 of 1,496,776 alleles (0.00047%); highest among the groups gnomAD compares: South Asian, 0.0051%; no homozygotes.

Submission:

Labcorp Genetics (formerly Invitae), Labcorp
Classification: Uncertain significance. Last evaluated: 2025-01-06. Review status: criteria provided, single submitter. Criteria: Invitae Variant Classification Sherloc (09022015). Collection method: clinical testing. Allele origin: germline.
Comment: This sequence change replaces valine, which is neutral and non-polar, with leucine, which is neutral and non-polar, at codon 23 of the IMPAD1 protein (p.Val23Leu). This variant is present in population databases (no rsID available, gnomAD 0.006%). This variant has not been reported in the literature in individuals affected with IMPAD1-related conditions. An algorithm developed to predict the effect of missense changes on protein structure and function (PolyPhen-2) suggests that this variant is likely to be tolerated. In summary, the available evidence is currently insufficient to determine the role of this variant in disease. Therefore, it has been classified as a Variant of Uncertain Significance.